The following is an entry in ClinVar:

ClinVar aggregate classification (germline): Uncertain significance. Review status: criteria provided, multiple submitters, no conflicts (2 of 4 stars). 2 submissions from 2 submitters: Uncertain significance (2). Last evaluated 2024-11-23.

Conditions:
Inborn genetic diseases. Identifiers: MedGen C0950123, MeSH D030342.

Allele frequency attached by ClinVar (database versions not stated): gnomAD 0.00001; gnomAD exomes 0.00001; TOPMed 0.00001.
gnomAD v4.1: 11 of 1,613,882 alleles (0.00068%); highest among the groups gnomAD compares: Non-Finnish European, 0.00085%; no homozygotes.

Submissions (2):

Ambry Genetics
Classification: Uncertain significance for Inborn genetic diseases. Last evaluated: 2024-11-23. Review status: criteria provided, single submitter. Criteria: Ambry Variant Classification Scheme 2023. Collection method: clinical testing. Allele origin: germline.
Comment: The p.H132R variant (also known as c.395A>G), located in coding exon 3 of the USB1 gene, results from an A to G substitution at nucleotide position 395. The histidine at codon 132 is replaced by arginine, an amino acid with highly similar properties. This amino acid position is conserved. In addition, this alteration is predicted to be deleterious by in silico analysis. Based on the available evidence, the clinical significance of this variant remains unclear.

Labcorp Genetics (formerly Invitae), Labcorp
Classification: Uncertain significance. Last evaluated: 2024-07-08. Review status: criteria provided, single submitter. Criteria: Invitae Variant Classification Sherloc (09022015). Collection method: clinical testing. Allele origin: germline.
Comment: This sequence change replaces histidine, which is basic and polar, with arginine, which is basic and polar, at codon 132 of the USB1 protein (p.His132Arg). This variant is not present in population databases (gnomAD no frequency). This variant has not been reported in the literature in individuals affected with USB1-related conditions. ClinVar contains an entry for this variant (Variation ID: 972576). Advanced modeling of protein sequence and biophysical properties (such as structural, functional, and spatial information, amino acid conservation, physicochemical variation, residue mobility, and thermodynamic stability) performed at Invitae indicates that this missense variant is expected to disrupt USB1 protein function with a positive predictive value of 80%. In summary, the available evidence is currently insufficient to determine the role of this variant in disease. Therefore, it has been classified as a Variant of Uncertain Significance.

NM_024598.4(USB1):c.395A>G (p.His132Arg)

Gene: USB1 (U6 snRNA biogenesis phosphodiesterase 1; plus strand). Cytogenetic location: 16q21.
Variant type: single nucleotide variant.
Coding change: c.395A>G on transcript NM_024598.4 (MANE Select); coding-DNA position 395, A replaced by G.
Protein change: p.His132Arg; replaces histidine 132 with arginine.
Molecular consequence: missense variant.
Genome position (GRCh38, 1-based): chr16:58,010,058, A>G. VCF-style: chr16-58010058-A-G. GRCh37 (hg19) VCF-style: chr16-58043962-A-G.
Other names: c.395A>G, p.His132Arg (NM_001195302.2, NM_001204911.2, NM_001330569.2); c.242A>G, p.His81Arg (NM_001330568.2); short protein forms H132R, H81R.
Identifiers: ClinVar variation 972576 (VCV000972576.9), dbSNP rs1481550649, ClinGen allele CA396129222.